The following is an entry in ClinVar:

ClinVar aggregate classification (germline): Benign/Likely benign. Review status: criteria provided, multiple submitters, no conflicts (2 of 4 stars). 6 submissions from 6 submitters: Benign (4); Likely benign (1). 1 of the submissions does not count toward it. Last evaluated 2026-02-03.

Conditions:
Ehlers-Danlos syndrome (EDS). Identifiers: Orphanet 98249, MedGen C0013720, MONDO:0020066.
ATP7A-related disorder. Also called: ATP7A-related condition.
Cutis laxa, X-linked (OHS). Also called: EDS IX; Occipital horn syndrome. Identifiers: Orphanet 198, MedGen C0268353, MONDO:0010572, OMIM 304150.
Menkes kinky-hair syndrome (MNK). Also called: Classic Menkes Disease; Copper transport disease; Menkes Disease. Identifiers: Orphanet 565, MedGen C0022716, MONDO:0010651, OMIM 309400.
X-linked distal spinal muscular atrophy type 3. Also called: SPINAL MUSCULAR ATROPHY, DISTAL, X-LINKED RECESSIVE; ATP7A-Related Distal Motor Neuropathy; NEURONOPATHY, DISTAL HEREDITARY MOTOR, X-LINKED; NEUROPATHY, DISTAL HEREDITARY MOTOR, X-LINKED. Identifiers: Orphanet 139557, MedGen C1845359, MONDO:0010338, OMIM 300489.

Allele frequency attached by ClinVar (database versions not stated): ExAC 0.00008; gnomAD exomes 0.00008 and 0.00035; ESP Exome Variant Server 0.00009; gnomAD 0.00022; TOPMed 0.00023.
gnomAD v4.1: 416 of 1,199,873 alleles (0.035%); highest among the groups gnomAD compares: Non-Finnish European, 0.043%; no homozygotes.

Submissions (6):

Labcorp Genetics (formerly Invitae), Labcorp
Classification: Benign for X-linked distal spinal muscular atrophy type 3; Cutis laxa, X-linked; Menkes kinky-hair syndrome. Last evaluated: 2026-02-03. Review status: criteria provided, single submitter. Criteria: Invitae Variant Classification Sherloc (09022015). Collection method: clinical testing. Allele origin: germline.

Mayo Clinic Laboratories, Mayo Clinic
Classification: Benign. Last evaluated: 2024-10-16. Review status: criteria provided, single submitter. Criteria: ACMG Guidelines, 2015. Collection method: clinical testing. Allele origin: germline. Observed: 1 variant allele.
Comment: BS1, BS2, BP4, BP7

Genome Diagnostics Laboratory, The Hospital for Sick Children
Classification: Likely benign for Ehlers-Danlos syndrome. Last evaluated: 2021-08-09. Review status: criteria provided, single submitter. Criteria: ACMG Guidelines, 2015. Collection method: clinical testing. Allele origin: germline.

ARUP Laboratories, Molecular Genetics and Genomics, ARUP Laboratories
Classification: Benign. Last evaluated: 2018-01-22. Review status: criteria provided, single submitter. Criteria: ARUP Molecular Germline Variant Investigation Process. Collection method: clinical testing. Allele origin: germline.

GeneDx
Classification: Benign. Last evaluated: 2015-03-03. Review status: criteria provided, single submitter. Criteria: GeneDx Variant Classification Process June 2021. Collection method: clinical testing. Allele origin: germline. Affected: yes.

PreventionGenetics, part of Exact Sciences
Classification: Likely benign for ATP7A-related condition. Last evaluated: 2019-08-29. Review status: no assertion criteria provided. Collection method: clinical testing. Allele origin: germline. Not counted in ClinVar's aggregate classification.
Comment: This variant is classified as likely benign based on ACMG/AMP sequence variant interpretation guidelines (Richards et al. 2015 PMID: 25741868, with internal and published modifications).

NM_000052.7(ATP7A):c.177A>G (p.Pro59=)

Gene: ATP7A (ATPase copper transporting alpha; plus strand). Cytogenetic location: Xq21.1.
Variant type: single nucleotide variant.
Coding change: c.177A>G on transcript NM_000052.7 (MANE Select); coding-DNA position 177, A replaced by G.
Protein change: p.Pro59=; no amino-acid change (proline 59 retained).
Molecular consequence: synonymous variant.
Genome position (GRCh38, 1-based): chrX:77,988,298, A>G. VCF-style: chrX-77988298-A-G. GRCh37 (hg19) VCF-style: chrX-77243794-A-G.
Other names: p.Pro59=; c.177A>G, p.Pro59= (NM_001282224.2).
Identifiers: ClinVar variation 465106 (VCV000465106.27), dbSNP rs142463642, ClinGen allele CA10458892.